The following is an entry in ClinVar:

NM_000587.4(C7):c.448C>T (p.Gln150Ter)

Gene: C7 (complement C7; plus strand). Cytogenetic location: 5p13.1.
Variant type: single nucleotide variant.
Coding change: c.448C>T on transcript NM_000587.4 (MANE Select); coding-DNA position 448, C replaced by T.
Protein change: p.Gln150Ter; replaces glutamine 150 with a stop codon.
Molecular consequence: nonsense.
Genome position (GRCh38, 1-based): chr5:40,937,571, C>T. VCF-style: chr5-40937571-C-T. GRCh37 (hg19) VCF-style: chr5-40937673-C-T.
Other names: short protein forms Q150*.
Identifiers: ClinVar variation 2990929 (VCV002990929.3), dbSNP rs1225243005, ClinGen allele CA359590923.

ClinVar aggregate classification (germline): Pathogenic (1 of 4 stars; one submission).

Allele frequency attached by ClinVar (database versions not stated): gnomAD exomes below 0.00001; gnomAD 0.00001.

Submission:

Labcorp Genetics (formerly Invitae), Labcorp
Classification: Pathogenic. Last evaluated: 2025-03-06. Review status: criteria provided, single submitter. Criteria: Invitae Variant Classification Sherloc (09022015). Collection method: clinical testing. Allele origin: germline.
Comment: This sequence change creates a premature translational stop signal (p.Gln150*) in the C7 gene. It is expected to result in an absent or disrupted protein product. Loss-of-function variants in C7 are known to be pathogenic (PMID: 9856499, 17407100). This variant is present in population databases (no rsID available, gnomAD 0.002%). This variant has not been reported in the literature in individuals affected with C7-related conditions. ClinVar contains an entry for this variant (Variation ID: 2990929). Algorithms developed to predict the effect of sequence changes on RNA splicing suggest that this variant may disrupt the consensus splice site. For these reasons, this variant has been classified as Pathogenic.

Literature cited by the submitters: PubMed 9856499; PubMed 17407100.